The following is an entry in ClinVar:

ClinVar aggregate classification (germline): Likely benign (0 of 4 stars; one submission).

Conditions:
FRAS1-related disorder. Also called: FRAS1-related condition.

Allele frequency attached by ClinVar (database versions not stated): gnomAD 0.00005; TOPMed 0.00005; ESP Exome Variant Server 0.00008; ExAC 0.00011.
gnomAD v4.1: 58 of 1,611,212 alleles (0.0036%); highest among the groups gnomAD compares: Non-Finnish European, 0.00068%; no homozygotes.

Submission:

PreventionGenetics, part of Exact Sciences
Classification: Likely benign for FRAS1-related condition. Last evaluated: 2022-02-23. Review status: no assertion criteria provided. Collection method: clinical testing. Allele origin: germline.
Comment: This variant is classified as likely benign based on ACMG/AMP sequence variant interpretation guidelines (Richards et al. 2015 PMID: 25741868, with internal and published modifications).

NM_025074.7(FRAS1):c.11572C>T (p.Pro3858Ser)

Gene: FRAS1 (Fraser extracellular matrix complex subunit 1; plus strand). Cytogenetic location: 4q21.21.
Variant type: single nucleotide variant.
Coding change: c.11572C>T on transcript NM_025074.7 (MANE Select); coding-DNA position 11572, C replaced by T.
Protein change: p.Pro3858Ser; replaces proline 3858 with serine.
Molecular consequence: missense variant.
Genome position (GRCh38, 1-based): chr4:78,540,657, C>T. VCF-style: chr4-78540657-C-T. GRCh37 (hg19) VCF-style: chr4-79461811-C-T.
Other names: short protein forms P3858S.
Identifiers: ClinVar variation 3041661 (VCV003041661.2), dbSNP rs373118002, ClinGen allele CA2979258.
Genomic context (GRCh38, chr4:78,540,657, plus strand): 5'-CCCCGGGTCCAGCGCTCTCTCACAGCTCCACTCAGACGCAACCGAAGGGACCTGGTAGAG[C>T]CCGATGGCCAGCTGATCCTTGATGATTCCCTCATCTATGACAATGAAGGAGACCAAGTCA-3'
Protein context (NP_079350.5, residues 3848-3868): LRRNRRDLVE[Pro3858Ser]DGQLILDDSL